The following is an entry in ClinVar:

ClinVar aggregate classification (germline): Conflicting classifications of pathogenicity. Review status: criteria provided, conflicting classifications (1 of 4 stars). 4 submissions from 4 submitters: Uncertain significance (3); Likely benign (1). Last evaluated 2024-10-10.

Conditions:
FG syndrome (FGS). Identifiers: MedGen C0220769, MONDO:0002010.
Familial thoracic aortic aneurysm and aortic dissection (TAAD). Also called: Thoracic aortic aneurysms and dissections. Identifiers: Orphanet 91387, MedGen C4707243, MONDO:0019625.

Allele frequency attached by ClinVar (database versions not stated): 1000 Genomes Project 30x 0.00021; 1000 Genomes Project 0.00026.
gnomAD v4.1: 28 of 1,201,147 alleles (0.0023%); highest among the groups gnomAD compares: South Asian, 0.009%; no homozygotes.

Submissions (4):

Labcorp Genetics (formerly Invitae), Labcorp
Classification: Likely benign for FG syndrome. Last evaluated: 2024-10-10. Review status: criteria provided, single submitter. Criteria: Invitae Variant Classification Sherloc (09022015). Collection method: clinical testing. Allele origin: germline.

GeneDx
Classification: Uncertain significance. Last evaluated: 2024-07-14. Review status: criteria provided, single submitter. Criteria: GeneDx Variant Classification Process June 2021. Collection method: clinical testing. Allele origin: germline. Affected: yes.
Comment: In silico analysis supports that this missense variant has a deleterious effect on protein structure/function; Has not been previously published as pathogenic or benign to our knowledge; This variant is associated with the following publications: (PMID: 29148537)

Revvity Omics, Revvity
Classification: Uncertain significance. Last evaluated: 2022-03-13. Review status: criteria provided, single submitter. Criteria: ACMG Guidelines, 2015. Collection method: clinical testing. Allele origin: germline.

Ambry Genetics
Classification: Uncertain significance for Familial thoracic aortic aneurysm and aortic dissection. Last evaluated: 2020-05-20. Review status: criteria provided, single submitter. Criteria: Ambry Variant Classification Scheme 2023. Collection method: clinical testing. Allele origin: germline.
Comment: The alteration results in an amino acid change:_x000D_ _x000D_ The c.5252C>T (p.P1751L) alteration is located in exon 37 of the MED12 gene. This alteration results from a C to T substitution at nucleotide position 5252, causing the proline (P) at amino acid position 1751 to be replaced by a leucine (L). The alteration has been observed in population databases: _x000D_ _x000D_ Based on data from the Genome Aggregation Database (gnomAD), the MED12 c.5252C>T alteration was observed in 0.002% (4/160170) of total alleles studied, including one hemizygote. The altered amino acid is conserved throughout evolution:_x000D_ _x000D_ The p.P1751 amino acid is conserved in available vertebrate species. The alteration is predicted tolerated by in silico modeling:_x000D_ _x000D_ The p.P1751L alteration is predicted to be tolerated by in silico analysis. Based on insufficient or conflicting evidence, the clinical significance of this alteration remains unclear.

NM_005120.3(MED12):c.5252C>T (p.Pro1751Leu)

Gene: MED12 (mediator complex subunit 12; plus strand). Cytogenetic location: Xq13.1.
Variant type: single nucleotide variant.
Coding change: c.5252C>T on transcript NM_005120.3 (MANE Select); coding-DNA position 5252, C replaced by T.
Protein change: p.Pro1751Leu; replaces proline 1751 with leucine.
Molecular consequence: missense variant.
Genome position (GRCh38, 1-based): chrX:71,136,507, C>T. VCF-style: chrX-71136507-C-T. GRCh37 (hg19) VCF-style: chrX-70356357-C-T.
Other names: short protein forms P1751L.
Identifiers: ClinVar variation 519898 (VCV000519898.21), dbSNP rs748064846, ClinGen allele CA10444759.